The following is an entry in ClinVar:

NM_000719.7(CACNA1C):c.4448C>A (p.Thr1483Lys)

Gene: CACNA1C (calcium voltage-gated channel subunit alpha1 C; plus strand). Cytogenetic location: 12p13.33.
Variant type: single nucleotide variant.
Coding change: c.4448C>A on transcript NM_000719.7 (MANE Select); coding-DNA position 4448, C replaced by A.
Protein change: p.Thr1483Lys; replaces threonine 1483 with lysine.
Molecular consequence: missense variant.
Genome position (GRCh38, 1-based): chr12:2,665,630, C>A. VCF-style: chr12-2665630-C-A. GRCh37 (hg19) VCF-style: chr12-2774796-C-A.
Other names: c.4592C>A, p.Thr1531Lys (NM_001129827.2, NM_199460.4); c.4514C>A, p.Thr1505Lys (NM_001129829.2); c.4448C>A, p.Thr1483Lys (NM_001129830.3, NM_001129833.2, NM_001129834.2 and 7 more transcripts); c.4532C>A, p.Thr1511Lys (NM_001129831.2); c.4508C>A, p.Thr1503Lys (NM_001129832.2); c.4499C>A, p.Thr1500Lys (NM_001129836.2); c.4415C>A, p.Thr1472Lys (NM_001129837.2, NM_001129838.2, NM_001129846.2 and 1 more transcripts); c.4409C>A, p.Thr1470Lys (NM_001129839.2); and 1 more; short protein forms T1470K, T1472K, T1483K, T1505K, T1500K, T1531K, T1480K, T1511K.
Identifiers: ClinVar variation 2544528 (VCV002544528.3), dbSNP rs2529746181, ClinGen allele CA383376209.
Genomic context (GRCh38, chr12:2,665,630, plus strand): 5'-GTTCCCCACAGATCATCAACCTCTTTGTAGCTGTCATCATGGACAACTTTGACTACCTGA[C>A]AAGGGACTGGTCCATCCTTGGTCCCCACCACCTGGATGAGTTTAAAAGAATCTGGGCAGA-3'
Protein context (NP_000710.5, residues 1473-1493): AVIMDNFDYL[Thr1483Lys]RDWSILGPHH

ClinVar aggregate classification (germline): Uncertain significance (1 of 4 stars; one submission).

Conditions:
Cardiovascular phenotype. Identifiers: MedGen CN230736.

Submission:

Ambry Genetics
Classification: Uncertain significance for Cardiovascular phenotype. Last evaluated: 2023-06-15. Review status: criteria provided, single submitter. Criteria: Ambry Variant Classification Scheme 2023. Collection method: clinical testing. Allele origin: germline.
Comment: The c.4448C>A (p.T1483K) alteration is located in exon 36 (coding exon 36) of the CACNA1C gene. This alteration results from a C to A substitution at nucleotide position 4448, causing the threonine (T) at amino acid position 1483 to be replaced by a lysine (K). This variant was not reported in population-based cohorts in the Genome Aggregation Database (gnomAD). This amino acid position is highly conserved in available vertebrate species. This alteration is predicted to be deleterious by in silico analysis. Based on insufficient or conflicting evidence, the clinical significance of this alteration remains unclear.